The following is an entry in ClinVar:

NM_001166108.2(PALLD):c.737A>T (p.Asn246Ile)

Gene: PALLD (palladin, cytoskeletal associated protein; plus strand). Cytogenetic location: 4q32.3.
Variant type: single nucleotide variant.
Coding change: c.737A>T on transcript NM_001166108.2 (MANE Select); coding-DNA position 737, A replaced by T.
Protein change: p.Asn246Ile; replaces asparagine 246 with isoleucine.
Molecular consequence: missense variant.
Genome position (GRCh38, 1-based): chr4:168,512,241, A>T. VCF-style: chr4-168512241-A-T. GRCh37 (hg19) VCF-style: chr4-169433392-A-T.
Other names: c.737A>T, p.Asn246Ile (NM_016081.4); short protein forms N246I.
Identifiers: ClinVar variation 3413579 (VCV003413579.1).
Genomic context (GRCh38, chr4:168,512,241, plus strand): 5'-ACCAAGGGGAGATGGAAAGAGAGGTCAAGTCCCCTGGGGCCAGGCATTGCTACCAGGACA[A>T]CCAGGACTTGGCAGTGCCACACAACCGCAAGTCTCACCCACAGCCCCACAGCGCCCTCCA-3'
Protein context (NP_001159580.1, residues 236-256): SPGARHCYQD[Asn246Ile]QDLAVPHNRK

ClinVar aggregate classification (germline): Uncertain significance (1 of 4 stars; one submission).

gnomAD v4.1: 22 of 1,613,918 alleles (0.0014%); highest among the groups gnomAD compares: South Asian, 0.024%; no homozygotes.

Submission:

Ambry Genetics
Classification: Uncertain significance. Last evaluated: 2024-07-17. Review status: criteria provided, single submitter. Criteria: Ambry Variant Classification Scheme 2023. Collection method: clinical testing. Allele origin: germline.
Comment: The p.N246I variant (also known as c.737A>T), located in coding exon 1 of the PALLD gene, results from an A to T substitution at nucleotide position 737. The asparagine at codon 246 is replaced by isoleucine, an amino acid with dissimilar properties. This amino acid position is conserved. In addition, this alteration is predicted to be tolerated by in silico analysis. Based on the available evidence, the clinical significance of this variant remains unclear.